The following is an entry in ClinVar:

ClinVar aggregate classification (germline): Uncertain significance. Review status: criteria provided, multiple submitters, no conflicts (2 of 4 stars). 5 submissions from 5 submitters: Uncertain significance (5). Last evaluated 2026-01-05.

Conditions:
Combined oxidative phosphorylation defect type 24. Also called: Combined oxidative phosphorylation deficiency 24. Identifiers: Orphanet 444458, MedGen C4015643, MONDO:0014547, OMIM 616239.

Allele frequency attached by ClinVar (database versions not stated): 1000 Genomes Project 0.00020; TOPMed 0.00063; 1000 Genomes Project 30x 0.00016; gnomAD 0.00069 and 0.00068; ESP Exome Variant Server 0.00085.
gnomAD v4.1: 1,763 of 1,612,822 alleles (0.11%); highest among the groups gnomAD compares: Non-Finnish European, 0.14%; 1 homozygote.

Submissions (5):

Labcorp Genetics (formerly Invitae), Labcorp
Classification: Uncertain significance. Last evaluated: 2026-01-05. Review status: criteria provided, single submitter. Criteria: Invitae Variant Classification Sherloc (09022015). Collection method: clinical testing. Allele origin: germline.
Comment: This sequence change replaces proline, which is neutral and non-polar, with threonine, which is neutral and polar, at codon 214 of the NARS2 protein (p.Pro214Thr). This variant is present in population databases (rs140016209, gnomAD 0.1%), and has an allele count higher than expected for a pathogenic variant. This variant has not been reported in the literature in individuals affected with NARS2-related conditions. ClinVar contains an entry for this variant (Variation ID: 1033640). Invitae Evidence Modeling of protein sequence and biophysical properties (such as structural, functional, and spatial information, amino acid conservation, physicochemical variation, residue mobility, and thermodynamic stability) indicates that this missense variant is not expected to disrupt NARS2 protein function with a negative predictive value of 80%. In summary, the available evidence is currently insufficient to determine the role of this variant in disease. Therefore, it has been classified as a Variant of Uncertain Significance.

GeneDx
Classification: Uncertain significance. Last evaluated: 2025-01-07. Review status: criteria provided, single submitter. Criteria: GeneDx Variant Classification Process June 2021. Collection method: clinical testing. Allele origin: germline. Affected: yes.
Comment: In silico analysis supports that this missense variant has a deleterious effect on protein structure/function; Has not been previously published as pathogenic or benign to our knowledge

Blueprint Genetics
Classification: Uncertain significance. Last evaluated: 2024-11-21. Review status: criteria provided, single submitter. Criteria: ACMG Guidelines, 2015. Collection method: clinical testing. Allele origin: germline.

Revvity Omics, Revvity
Classification: Uncertain significance. Last evaluated: 2021-09-28. Review status: criteria provided, single submitter. Criteria: ACMG Guidelines, 2015. Collection method: clinical testing. Allele origin: germline.

Baylor Genetics
Classification: Uncertain significance for Combined oxidative phosphorylation defect type 24. Last evaluated: 2018-09-28. Review status: criteria provided, single submitter. Criteria: ACMG Guidelines, 2015. Collection method: clinical testing. Allele origin: unknown. Affected: yes.
Comment: This variant was determined to be of uncertain significance according to ACMG Guidelines, 2015 [PMID:25741868].

NM_024678.6(NARS2):c.640C>A (p.Pro214Thr)

Gene: NARS2 (asparaginyl-tRNA synthetase 2, mitochondrial; minus strand). Cytogenetic location: 11q14.1.
Variant type: single nucleotide variant.
Coding change: c.640C>A on transcript NM_024678.6 (MANE Select); coding-DNA position 640, C replaced by A.
Protein change: p.Pro214Thr; replaces proline 214 with threonine.
Molecular consequence: missense variant. On other transcripts: 5 prime UTR variant (1).
Genome position (GRCh38, 1-based): chr11:78,528,891, G>T on the plus strand (C>A on the coding strand, the complement: NARS2 is on the minus strand). VCF-style: chr11-78528891-G-T. GRCh37 (hg19) VCF-style: chr11-78239937-G-T.
Other names: c.-42C>A (NM_001243251.2); short protein forms P214T.
Identifiers: ClinVar variation 1033640 (VCV001033640.11), dbSNP rs140016209, ClinGen allele CA6205764.